The following is an entry in ClinVar:

NM_205861.3(DHDDS):c.377T>C (p.Leu126Ser)

Gene: DHDDS (dehydrodolichyl diphosphate synthase subunit; plus strand). Cytogenetic location: 1p36.11.
Variant type: single nucleotide variant.
Coding change: c.377T>C on transcript NM_205861.3 (MANE Select); coding-DNA position 377, T replaced by C.
Protein change: p.Leu126Ser; replaces leucine 126 with serine.
Molecular consequence: missense variant. On other transcripts: intron variant (1).
Genome position (GRCh38, 1-based): chr1:26,446,369, T>C. VCF-style: chr1-26446369-T-C. GRCh37 (hg19) VCF-style: chr1-26772860-T-C.
Other names: c.377T>C, p.Leu126Ser (NM_001243564.2, NM_024887.4); c.98T>C, p.Leu33Ser (NM_001319959.2); c.324-1190T>C (NM_001243565.2); short protein forms L33S, L126S.
Identifiers: ClinVar variation 2202167 (VCV002202167.2), dbSNP rs775361226, ClinGen allele CA705323.
Genomic context (GRCh38, chr1:26,446,369, plus strand): 5'-TGATCAGGGAGAAACTGCAGAAGCATGGGGTGTGTATCCGGGTCCTGGGCGATCTGCACT[T>C]GTTGCCCTTGGATCTCCAGGAGCTGATTGCACAAGCTGTACAGGCCACGAAGAACTACAA-3'
Protein context (NP_995583.1, residues 116-136): VCIRVLGDLH[Leu126Ser]LPLDLQELIA

ClinVar aggregate classification (germline): Uncertain significance (1 of 4 stars; one submission).

Conditions:
Retinitis pigmentosa 59 (RP59). Identifiers: Orphanet 791, MedGen C3151227, MONDO:0013468, OMIM 613861.

Allele frequency attached by ClinVar (database versions not stated): gnomAD 0.00003; ExAC 0.00008.
gnomAD v4.1: 66 of 1,613,932 alleles (0.0041%); highest among the groups gnomAD compares: South Asian, 0.071%; 3 homozygotes.

Submission:

Labcorp Genetics (formerly Invitae), Labcorp
Classification: Uncertain significance for Retinitis pigmentosa 59. Last evaluated: 2025-01-14. Review status: criteria provided, single submitter. Criteria: Invitae Variant Classification Sherloc (09022015). Collection method: clinical testing. Allele origin: germline.
Comment: This sequence change replaces leucine, which is neutral and non-polar, with serine, which is neutral and polar, at codon 126 of the DHDDS protein (p.Leu126Ser). This variant is present in population databases (rs775361226, gnomAD 0.06%). This variant has not been reported in the literature in individuals affected with DHDDS-related conditions. ClinVar contains an entry for this variant (Variation ID: 2202167). Invitae Evidence Modeling of protein sequence and biophysical properties (such as structural, functional, and spatial information, amino acid conservation, physicochemical variation, residue mobility, and thermodynamic stability) indicates that this missense variant is not expected to disrupt DHDDS protein function with a negative predictive value of 80%. In summary, the available evidence is currently insufficient to determine the role of this variant in disease. Therefore, it has been classified as a Variant of Uncertain Significance.